The following is an entry in ClinVar:

NM_000135.4(FANCA):c.1682C>T (p.Thr561Met)

Gene: FANCA (FA complementation group A; minus strand). Cytogenetic location: 16q24.3.
Variant type: single nucleotide variant.
Coding change: c.1682C>T on transcript NM_000135.4 (MANE Select); coding-DNA position 1682, C replaced by T.
Protein change: p.Thr561Met; replaces threonine 561 with methionine.
Molecular consequence: missense variant.
Genome position (GRCh38, 1-based): chr16:89,779,902, G>A on the plus strand (C>T on the coding strand, the complement: FANCA is on the minus strand). VCF-style: chr16-89779902-G-A. GRCh37 (hg19) VCF-style: chr16-89846310-G-A.
Other names: c.1682C>T, p.Thr561Met (NM_001286167.3); c.1682C>T (LRG_495t1); short protein forms T561M.
Identifiers: ClinVar variation 552283 (VCV000552283.9), dbSNP rs148154682, ClinGen allele CA8252172.
Genomic context (GRCh38, chr16:89,779,902, plus strand): 5'-AGAGGCCTTTTCGGCAGCCCAGCCTACCTGGCCTCCATGACGGTGACTGGGATGTTCCCC[G>A]TATGCTCAAACACCATGATGGCCTTTTCAACATCCTGAAGAGCTTGGCTGTGGGGCTGGT-3'
Protein context (NP_000126.2, residues 551-571): VEKAIMVFEH[Thr561Met]GNIPVTVMEA

ClinVar aggregate classification (germline): Uncertain significance. Review status: criteria provided, multiple submitters, no conflicts (2 of 4 stars). 5 submissions from 5 submitters: Uncertain significance (4). 1 of the submissions does not count toward it. Last evaluated 2025-08-04.

Conditions:
Fanconi anemia (FA). Also called: Fanconi's anemia. Identifiers: Orphanet 84, MedGen C0015625, MeSH D005199, MONDO:0019391.
Fanconi anemia complementation group A (FANCA). Also called: Fanconi anemia, group A; FANCA-Related Fanconi Anemia. Identifiers: Orphanet 84, MedGen C3469521, MONDO:0009215, OMIM 227650.

Allele frequency attached by ClinVar (database versions not stated): TOPMed 0.00002.
gnomAD v4.1: 79 of 1,613,906 alleles (0.0049%); highest among the groups gnomAD compares: South Asian, 0.018%; no homozygotes.

Submissions (5):

Labcorp Genetics (formerly Invitae), Labcorp
Classification: Uncertain significance for Fanconi anemia. Last evaluated: 2025-08-04. Review status: criteria provided, single submitter. Criteria: Invitae Variant Classification Sherloc (09022015). Collection method: clinical testing. Allele origin: germline.
Comment: This sequence change replaces threonine, which is neutral and polar, with methionine, which is neutral and non-polar, at codon 561 of the FANCA protein (p.Thr561Met). This variant is present in population databases (rs148154682, gnomAD 0.06%). This missense change has been observed in individual(s) with breast cancer (PMID: 23021409). ClinVar contains an entry for this variant (Variation ID: 552283). Invitae Evidence Modeling of protein sequence and biophysical properties (such as structural, functional, and spatial information, amino acid conservation, physicochemical variation, residue mobility, and thermodynamic stability) has been performed for this missense variant. However, the output from this modeling did not meet the statistical confidence thresholds required to predict the impact of this variant on FANCA protein function. In summary, the available evidence is currently insufficient to determine the role of this variant in disease. Therefore, it has been classified as a Variant of Uncertain Significance.

Blueprint Genetics
Classification: Uncertain significance. Last evaluated: 2024-11-07. Review status: criteria provided, single submitter. Criteria: ACMG Guidelines, 2015. Collection method: clinical testing. Allele origin: germline.

New York Genome Center
Classification: Uncertain significance for Fanconi anemia complementation group A. Last evaluated: 2023-01-11. Review status: criteria provided, single submitter. Criteria: NYGC Assertion Criteria 2020. Collection method: clinical testing. Allele origin: inherited. Affected: yes. Observed: 1 variant allele, 1 compound heterozygote.
Comment: The c.1682C>T variant in FANCA has not previously been reported in individuals with Fanconi anemia. It has been deposited in ClinVar [ClinVar ID: 552283]. The c.1682C>T variant is observed in 42 alleles (~0.007% minor allele frequency with 0 homozygotes) in population databases (gnomAD v2.1.1 and v3.1.2, TOPMed Freeze8), suggesting it is not a common benign variant in the populations represented in those databases. The c.1682C>T variant in FANCA is located in exon 18 of this 43-exon gene, and is predicted to replace an evolutionarily conserved threonine amino acid with methionine at position 561 (p.(Thr561Met)) in the encoded protein. In silico predictions are inconclusive of damaging effect for the p.(Thr561Met) variant [CADD v1.6 = 24.2, REVEL = 0.549]; however, there are no functional studies to support or refute these predictions. Based on available evidence this not-maternally-inherited heterozygous c.1682C>T p.(Thr561Met) variant identified in FANCA in this fetal sample is classified here as Variant of Uncertain Significance.

Fulgent Genetics
Classification: Uncertain significance for Fanconi anemia complementation group A. Last evaluated: 2022-03-31. Review status: criteria provided, single submitter. Criteria: ACMG Guidelines, 2015. Collection method: clinical testing. Allele origin: unknown.

Counsyl
Classification: Uncertain significance for Fanconi anemia complementation group A. Last evaluated: 2017-06-01. Review status: no assertion criteria provided. Collection method: clinical testing. Allele origin: unknown. Not counted in ClinVar's aggregate classification.

Literature cited by the submitters: PubMed 23021409 (cited by Labcorp Genetics (formerly Invitae), Labcorp and Counsyl); PubMed 25288723 (cited by Counsyl).